The following is an entry in ClinVar:

ClinVar aggregate classification (germline): Uncertain significance. Review status: criteria provided, multiple submitters, no conflicts (2 of 4 stars). 4 submissions from 4 submitters: Uncertain significance (4). Last evaluated 2026-01-28.

Conditions:
Juvenile polyposis syndrome (JPS). Identifiers: Orphanet 2929, MedGen C0345893, MONDO:0017380, OMIM 174900.
Hereditary cancer-predisposing syndrome. Also called: Neoplastic Syndromes, Hereditary; Hereditary neoplastic syndrome; Tumor predisposition; Hereditary Cancer Syndrome. Identifiers: Orphanet 140162, MedGen C0027672, MeSH D009386, MONDO:0015356.
Familial thoracic aortic aneurysm and aortic dissection (TAAD). Also called: Thoracic aortic aneurysms and dissections. Identifiers: Orphanet 91387, MedGen C4707243, MONDO:0019625.

Submissions (4):

Labcorp Genetics (formerly Invitae), Labcorp
Classification: Uncertain significance for Juvenile polyposis syndrome. Last evaluated: 2026-01-28. Review status: criteria provided, single submitter. Criteria: Invitae Variant Classification Sherloc (09022015). Collection method: clinical testing. Allele origin: germline.
Comment: This sequence change replaces serine, which is neutral and polar, with isoleucine, which is neutral and non-polar, at codon 227 of the SMAD4 protein (p.Ser227Ile). This variant is not present in population databases (gnomAD no frequency). This variant has not been reported in the literature in individuals affected with SMAD4-related conditions. ClinVar contains an entry for this variant (Variation ID: 846379). Invitae Evidence Modeling of protein sequence and biophysical properties (such as structural, functional, and spatial information, amino acid conservation, physicochemical variation, residue mobility, and thermodynamic stability) has been performed for this missense variant. However, the output from this modeling did not meet the statistical confidence thresholds required to predict the impact of this variant on SMAD4 protein function. In summary, the available evidence is currently insufficient to determine the role of this variant in disease. Therefore, it has been classified as a Variant of Uncertain Significance.

GeneDx
Classification: Uncertain significance. Last evaluated: 2023-06-05. Review status: criteria provided, single submitter. Criteria: GeneDx Variant Classification Process June 2021. Collection method: clinical testing. Allele origin: germline. Affected: yes.
Comment: Not observed at significant frequency in large population cohorts (gnomAD); In silico analysis supports that this missense variant does not alter protein structure/function; Has not been previously published as pathogenic or benign to our knowledge; This variant is associated with the following publications: (PMID: 15235019, 18823382, 22992590)

Ambry Genetics
Classification: Uncertain significance for Hereditary cancer-predisposing syndrome; Familial thoracic aortic aneurysm and aortic dissection. Last evaluated: 2021-08-02. Review status: criteria provided, single submitter. Criteria: Ambry Variant Classification Scheme 2023. Collection method: clinical testing. Allele origin: germline.

Quest Diagnostics Nichols Institute San Juan Capistrano
Classification: Uncertain significance. Last evaluated: 2020-01-16. Review status: criteria provided, single submitter. Criteria: Quest Diagnostics criteria. Collection method: clinical testing. Allele origin: unknown.

NM_005359.6(SMAD4):c.680G>T (p.Ser227Ile)

Gene: SMAD4 (SMAD family member 4; plus strand). Cytogenetic location: 18q21.2.
Variant type: single nucleotide variant.
Coding change: c.680G>T on transcript NM_005359.6 (MANE Select); coding-DNA position 680, G replaced by T.
Protein change: p.Ser227Ile; replaces serine 227 with isoleucine.
Molecular consequence: missense variant.
Genome position (GRCh38, 1-based): chr18:51,058,137, G>T. VCF-style: chr18-51058137-G-T. GRCh37 (hg19) VCF-style: chr18-48584507-G-T.
Other names: short protein forms S227I.
Identifiers: ClinVar variation 846379 (VCV000846379.17), dbSNP rs1909890755, ClinGen allele CA402462629.